The following is an entry in ClinVar:

ClinVar aggregate classification (germline): Uncertain significance. Review status: criteria provided, multiple submitters, no conflicts (2 of 4 stars). 3 submissions from 3 submitters: Uncertain significance (2). 1 of the submissions does not count toward it. Last evaluated 2023-11-07.

Conditions:
Charcot-Marie-Tooth disease type 4. Also called: Charcot-Marie-Tooth disease, type IV; Charcot-Marie-Tooth, Type 4. Identifiers: Orphanet 64749, MedGen C4082197, MONDO:0018995.
Charcot-Marie-Tooth disease type 4D. Also called: CHARCOT-MARIE-TOOTH DISEASE, DEMYELINATING, AUTOSOMAL RECESSIVE, TYPE 4D; NEUROPATHY, HEREDITARY MOTOR AND SENSORY, LOM TYPE; Charcot-Marie-Tooth Neuropathy Type 4D; CHARCOT-MARIE-TOOTH DISEASE, DEMYELINATING, TYPE 4D. Identifiers: Orphanet 99950, MedGen C1832334, MONDO:0011085, OMIM 601455.
Inborn genetic diseases. Identifiers: MedGen C0950123, MeSH D030342.

Allele frequency attached by ClinVar (database versions not stated): gnomAD exomes 0.00001 and 0.00002; TOPMed 0.00003.
gnomAD v4.1: 30 of 1,614,154 alleles (0.0019%); highest among the groups gnomAD compares: Admixed American, 0.0033%; no homozygotes.

Submissions (3):

Ambry Genetics
Classification: Uncertain significance for Inborn genetic diseases. Last evaluated: 2023-11-07. Review status: criteria provided, single submitter. Criteria: Ambry Variant Classification Scheme 2023. Collection method: clinical testing. Allele origin: germline.
Comment: The c.699-3C>T intronic alteration consists of a C to T substitution 3 nucleotides before coding exon 10 in the NDRG1 gene. Based on insufficient or conflicting evidence, the clinical significance of this alteration remains unclear.

Labcorp Genetics (formerly Invitae), Labcorp
Classification: Uncertain significance for Charcot-Marie-Tooth disease type 4. Last evaluated: 2022-07-16. Review status: criteria provided, single submitter. Criteria: Invitae Variant Classification Sherloc (09022015). Collection method: clinical testing. Allele origin: germline.
Comment: This sequence change falls in intron 10 of the NDRG1 gene. It does not directly change the encoded amino acid sequence of the NDRG1 protein. It affects a nucleotide within the consensus splice site. This variant is present in population databases (no rsID available, gnomAD 0.006%). This variant has not been reported in the literature in individuals affected with NDRG1-related conditions. ClinVar contains an entry for this variant (Variation ID: 968722). Variants that disrupt the consensus splice site are a relatively common cause of aberrant splicing (PMID: 17576681, 9536098). Algorithms developed to predict the effect of sequence changes on RNA splicing suggest that this variant is not likely to affect RNA splicing. In summary, the available evidence is currently insufficient to determine the role of this variant in disease. Therefore, it has been classified as a Variant of Uncertain Significance.

Natera, Inc.
Classification: Uncertain significance for Charcot-Marie-Tooth disease type 4D. Last evaluated: 2020-08-19. Review status: no assertion criteria provided. Collection method: clinical testing. Allele origin: germline. Not counted in ClinVar's aggregate classification.

Literature cited by the submitters: PubMed 17576681 (cited by Labcorp Genetics (formerly Invitae), Labcorp); PubMed 9536098 (cited by Labcorp Genetics (formerly Invitae), Labcorp).

NM_006096.4(NDRG1):c.699-3C>T

Genes: NDRG1 (N-myc downstream regulated 1; minus strand), LOC126860531 (CDK7 strongly-dependent group 2 enhancer GRCh37_chr8:134259869-134261068; plus strand). Cytogenetic location: 8q24.22.
Variant type: single nucleotide variant.
Coding change: c.699-3C>T on transcript NM_006096.4 (MANE Select); 3 bases into the intron before coding-DNA position 699, C replaced by T.
Molecular consequence: intron variant.
Genome position (GRCh38, 1-based): chr8:133,248,774, G>A on the plus strand (C>T on the coding strand, the complement: NDRG1 is on the minus strand). VCF-style: chr8-133248774-G-A. GRCh37 (hg19) VCF-style: chr8-134261017-G-A.
Other names: c.501-3C>T (NM_001258432.2, NM_001374847.1); c.456-3C>T (NM_001258433.2); c.750-3C>T (NM_001374844.1); c.699-3C>T (NM_001135242.2, NM_001374845.1, NM_001374846.1).
Identifiers: ClinVar variation 968722 (VCV000968722.7), dbSNP rs931942837, ClinGen allele CA186370674.